The following is an entry in ClinVar:

NM_004465.2(FGF10):c.53GCT[5] (p.Cys23del)

Gene: FGF10 (fibroblast growth factor 10; minus strand). Cytogenetic location: 5p12.
Variant type: Microsatellite.
Coding change: c.53GCT[5] on transcript NM_004465.2 (MANE Select); five copies in a row of the 3-base unit GCT starting at c.53; the reference has six copies in a row; one copy, 3 bases deleted.
Protein change: p.Cys23del; deletes cysteine 23.
Molecular consequence: inframe deletion.
Genome position (GRCh38, 1-based): chr5:44,388,613-44,388,615, AGC deleted on the plus strand (GCT on the coding strand, the reverse complement: FGF10 is on the minus strand); deleting any 3 consecutive bases within chr5:44,388,613-44,388,630 gives the same sequence; the position shown is the placement nearest the transcript's 3' end. VCF-style (leftmost placement, unchanged base first): chr5-44388612-AAGC-A. GRCh37 (hg19) VCF-style: chr5-44388714-AAGC-A.
Other names: short protein forms C23del.
Identifiers: ClinVar variation 2050886 (VCV002050886.4), dbSNP rs576181814, ClinGen allele CA3258581.

ClinVar aggregate classification (germline): Uncertain significance (1 of 4 stars; one submission).

Submission:

Labcorp Genetics (formerly Invitae), Labcorp
Classification: Uncertain significance. Last evaluated: 2025-06-25. Review status: criteria provided, single submitter. Criteria: Invitae Variant Classification Sherloc (09022015). Collection method: clinical testing. Allele origin: germline.
Comment: This variant, c.68_70del, results in the deletion of 1 amino acid(s) of the FGF10 protein (p.Cys23del), but otherwise preserves the integrity of the reading frame. The frequency data for this variant in the population databases is considered unreliable, as metrics indicate poor data quality at this position in the gnomAD database. This variant has not been reported in the literature in individuals affected with FGF10-related conditions. Studies have shown that this variant alters FGF10 gene expression (PMID: 32664970). In summary, the available evidence is currently insufficient to determine the role of this variant in disease. Therefore, it has been classified as a Variant of Uncertain Significance.

Literature cited by the submitters: PubMed 32664970.